The following is an entry in ClinVar:

ClinVar aggregate classification (germline): Benign/Likely benign. Review status: criteria provided, multiple submitters, no conflicts (2 of 4 stars). 3 submissions from 3 submitters: Benign (1); Likely benign (2). Last evaluated 2025-12-13.

Conditions:
Hereditary diffuse gastric adenocarcinoma (HDGC). Also called: DIFFUSE GASTRIC AND LOBULAR BREAST CANCER SYNDROME. Identifiers: Orphanet 26106, MedGen C1708349, MONDO:0007648, OMIM 137215.
Hereditary cancer-predisposing syndrome. Also called: Tumor predisposition; Hereditary Cancer Syndrome; Neoplastic Syndromes, Hereditary; Hereditary neoplastic syndrome. Identifiers: Orphanet 140162, MedGen C0027672, MeSH D009386, MONDO:0015356.

Allele frequency attached by ClinVar (database versions not stated): gnomAD exomes below 0.00001.
gnomAD v4.1: 1 of 1,614,236 alleles (0.000062%); highest among the groups gnomAD compares: Non-Finnish European, 0.000085%; no homozygotes.

Submissions (3):

Ambry Genetics
Classification: Likely benign for Hereditary cancer-predisposing syndrome. Last evaluated: 2025-12-13. Review status: criteria provided, single submitter. Criteria: Ambry Variant Classification Scheme 2023. Collection method: clinical testing. Allele origin: germline.

Myriad Genetics, Inc.
Classification: Benign for Hereditary diffuse gastric adenocarcinoma. Last evaluated: 2024-09-19. Review status: criteria provided, single submitter. Criteria: Myriad Autosomal Dominant, Autosomal Recessive and X-Linked Classification Criteria (2023). Collection method: clinical testing. Allele origin: unknown.
Comment: This variant is considered benign. This variant is a silent/synonymous amino acid change and it is not expected to impact splicing.

Labcorp Genetics (formerly Invitae), Labcorp
Classification: Likely benign for Hereditary diffuse gastric adenocarcinoma. Last evaluated: 2022-03-23. Review status: criteria provided, single submitter. Criteria: Invitae Variant Classification Sherloc (09022015). Collection method: clinical testing. Allele origin: germline.

NM_004360.5(CDH1):c.1509G>A (p.Gln503=)

Gene: CDH1 (cadherin 1; plus strand). Cytogenetic location: 16q22.1.
Variant type: single nucleotide variant.
Coding change: c.1509G>A on transcript NM_004360.5 (MANE Select); coding-DNA position 1509, G replaced by A.
Protein change: p.Gln503=; no amino-acid change (glutamine 503 retained).
Molecular consequence: synonymous variant. On other transcripts: 5 prime UTR variant (2).
Genome position (GRCh38, 1-based): chr16:68,815,703, G>A. VCF-style: chr16-68815703-G-A. GRCh37 (hg19) VCF-style: chr16-68849606-G-A.
Other names: c.1326G>A, p.Gln442= (NM_001317184.2); c.-40G>A (NM_001317185.2); c.-311G>A (NM_001317186.2).
Identifiers: ClinVar variation 2115949 (VCV002115949.6), dbSNP rs876659548, ClinGen allele CA496154110.